The following is an entry in ClinVar:

ClinVar aggregate classification (germline): Uncertain significance (1 of 4 stars; one submission).

Conditions:
Glycogen storage disease, type II (IOPD). Also called: CARDIOMEGALIA GLYCOGENICA DIFFUSA; Glycogen storage disease type 2; Acid maltase deficiency disease; Aglucosidase alfa; POMPE DISEASE, INFANTILE-ONSET; GLYCOGEN STORAGE DISEASE II, INFANTILE-ONSET. Identifiers: Orphanet 365, MedGen C0017921, MONDO:0009290, OMIM 232300.

Allele frequency attached by ClinVar (database versions not stated): gnomAD exomes below 0.00001; gnomAD 0.00001.
gnomAD v4.1: 2 of 1,613,808 alleles (0.00012%); highest among the groups gnomAD compares: East Asian, 0.0045%; no homozygotes.

Submission:

Labcorp Genetics (formerly Invitae), Labcorp
Classification: Uncertain significance for Glycogen storage disease, type II. Last evaluated: 2022-07-06. Review status: criteria provided, single submitter. Criteria: Invitae Variant Classification Sherloc (09022015). Collection method: clinical testing. Allele origin: germline.
Comment: This sequence change replaces serine, which is neutral and polar, with phenylalanine, which is neutral and non-polar, at codon 735 of the GAA protein (p.Ser735Phe). This variant is present in population databases (no rsID available, gnomAD 0.006%). This variant has not been reported in the literature in individuals affected with GAA-related conditions. Advanced modeling of protein sequence and biophysical properties (such as structural, functional, and spatial information, amino acid conservation, physicochemical variation, residue mobility, and thermodynamic stability) performed at Invitae indicates that this missense variant is not expected to disrupt GAA protein function. In summary, the available evidence is currently insufficient to determine the role of this variant in disease. Therefore, it has been classified as a Variant of Uncertain Significance.

NM_000152.5(GAA):c.2204C>T (p.Ser735Phe)

Gene: GAA (alpha glucosidase; plus strand). Cytogenetic location: 17q25.3.
Variant type: single nucleotide variant.
Coding change: c.2204C>T on transcript NM_000152.5 (MANE Select); coding-DNA position 2204, C replaced by T.
Protein change: p.Ser735Phe; replaces serine 735 with phenylalanine.
Molecular consequence: missense variant.
Genome position (GRCh38, 1-based): chr17:80,116,982, C>T. VCF-style: chr17-80116982-C-T. GRCh37 (hg19) VCF-style: chr17-78090781-C-T.
Other names: c.2204C>T, p.Ser735Phe (NM_001079803.3, NM_001079804.3, NM_001406741.1 and 1 more transcripts); short protein forms S735F.
Identifiers: ClinVar variation 1948813 (VCV001948813.2), dbSNP rs1433908909, ClinGen allele CA401324707.
Genomic context (GRCh38, chr17:80,116,982, plus strand): 5'-CATCCCATTCATCACCCGTATGCCTGTGTGCCCATCCCCCTTGCAGGTTCCCCAAGGACT[C>T]TAGCACCTGGACTGTGGACCACCAGCTCCTGTGGGGGGAGGCCCTGCTCATCACCCCAGT-3'
Protein context (NP_000143.2, residues 725-745): RPLFLEFPKD[Ser735Phe]STWTVDHQLL